The following is an entry in ClinVar:

ClinVar aggregate classification (germline): Uncertain significance. Review status: criteria provided, single submitter (1 of 4 stars). 2 submissions from 2 submitters: Uncertain significance (1). 1 of the submissions does not count toward it. Last evaluated 2021-08-26.

Conditions:
Alstrom syndrome (ALMS). Identifiers: Orphanet 64, MedGen C0268425, MONDO:0008763, OMIM 203800.

Submissions (2):

Labcorp Genetics (formerly Invitae), Labcorp
Classification: Uncertain significance for Alstrom syndrome. Last evaluated: 2021-08-26. Review status: criteria provided, single submitter. Criteria: Invitae Variant Classification Sherloc (09022015). Collection method: clinical testing. Allele origin: germline.
Comment: This sequence change replaces threonine with serine at codon 3474 of the ALMS1 protein (p.Thr3474Ser). The threonine residue is moderately conserved and there is a small physicochemical difference between threonine and serine. This variant is not present in population databases (ExAC no frequency). This variant has not been reported in the literature in individuals affected with ALMS1-related conditions. Experimental studies and prediction algorithms are not available or were not evaluated, and the functional significance of this variant is currently unknown. In summary, the available evidence is currently insufficient to determine the role of this variant in disease. Therefore, it has been classified as a Variant of Uncertain Significance.

Natera, Inc.
Classification: Uncertain significance for Alstrom syndrome. Last evaluated: 2025-02-25. Review status: no assertion criteria provided. Collection method: clinical testing. Allele origin: germline. Not counted in ClinVar's aggregate classification.

NM_001378454.1(ALMS1):c.10417A>T (p.Thr3473Ser)

Gene: ALMS1 (ALMS1 centrosome and basal body associated protein; plus strand). Cytogenetic location: 2p13.1.
Variant type: single nucleotide variant.
Coding change: c.10417A>T on transcript NM_001378454.1 (MANE Select); coding-DNA position 10417, A replaced by T.
Protein change: p.Thr3473Ser; replaces threonine 3473 with serine.
Molecular consequence: missense variant.
Genome position (GRCh38, 1-based): chr2:73,572,294, A>T. VCF-style: chr2-73572294-A-T. GRCh37 (hg19) VCF-style: chr2-73799421-A-T.
Other names: c.10420A>T, p.Thr3474Ser (NM_015120.4); short protein forms T3474S, T3473S.
Identifiers: ClinVar variation 1423539 (VCV001423539.4), dbSNP rs2104103542, ClinGen allele CA347282735.
Genomic context (GRCh38, chr2:73,572,294, plus strand): 5'-TTTCAAAATCTTTTTTTCTCCTTTTCAGAGTCCGAATGTCATTCAGAATTTGAAAATACT[A>T]CCCGTTCTGTCTTCAGGTCAGCAAAGTTTTACATTCATCATCCCGTACACCTACCAAGTG-3'
Protein context (NP_001365383.1, residues 3463-3483): SECHSEFENT[Thr3473Ser]RSVFRSAKFY